The following is an entry in ClinVar:

NM_058216.3(RAD51C):c.656T>C (p.Leu219Ser)

Genes: RAD51C (RAD51 paralog C; plus strand), LOC129390903 (MPRA-validated peak2919 silencer; plus strand). Cytogenetic location: 17q22.
Variant type: single nucleotide variant.
Coding change: c.656T>C on transcript NM_058216.3 (MANE Select); coding-DNA position 656, T replaced by C.
Protein change: p.Leu219Ser; replaces leucine 219 with serine.
Molecular consequence: missense variant. On other transcripts: non-coding transcript variant (1).
Genome position (GRCh38, 1-based): chr17:58,703,280, T>C. VCF-style: chr17-58703280-T-C. GRCh37 (hg19) VCF-style: chr17-56780641-T-C.
Other names: short protein forms L219S.
Identifiers: ClinVar variation 232604 (VCV000232604.36), dbSNP rs201529791, ClinGen allele CA8677291.

ClinVar aggregate classification (germline): Conflicting classifications of pathogenicity. Review status: criteria provided, conflicting classifications (1 of 4 stars). 10 submissions from 10 submitters: Likely pathogenic (1); Uncertain significance (8); Likely benign (1). Last evaluated 2025-11-01.

Conditions:
Hereditary cancer-predisposing syndrome. Also called: Hereditary Cancer Syndrome; Neoplastic Syndromes, Hereditary; Tumor predisposition; Hereditary neoplastic syndrome. Identifiers: Orphanet 140162, MedGen C0027672, MeSH D009386, MONDO:0015356.
Fanconi anemia complementation group O. Also called: RAD51C-Related Fanconi Anemia. Identifiers: Orphanet 84, MedGen C3150653, MONDO:0013248, OMIM 613390.
Hereditary breast ovarian cancer syndrome. Also called: Hereditary breast and/or ovarian cancer syndrome; BRCA1- and BRCA2-Associated Hereditary Breast and Ovarian Cancer; Hereditary breast and ovarian cancer syndrome (HBOC); Hereditary breast and ovarian cancer; Hereditary breast and ovarian cancer syndrome; Breast and ovarian cancer. Identifiers: Orphanet 145, MedGen C0677776, MeSH D061325, MONDO:0003582. Disease mechanism: loss of function.
Breast-ovarian cancer, familial, susceptibility to, 3. Also called: RAD51C-Related Breast/Ovarian Cancer. Identifiers: Orphanet 145, MedGen C3150659, MONDO:0013253, OMIM 613399.

Allele frequency attached by ClinVar (database versions not stated): gnomAD exomes below 0.00001 and 0.00001; ExAC 0.00001; gnomAD 0.00001; TOPMed 0.00003.
gnomAD v4.1: 8 of 1,610,498 alleles (0.0005%); highest among the groups gnomAD compares: Admixed American, 0.0033%; no homozygotes.

Submissions (10):

Labcorp Genetics (formerly Invitae), Labcorp
Classification: Uncertain significance for Fanconi anemia complementation group O. Last evaluated: 2025-11-01. Review status: criteria provided, single submitter. Criteria: Invitae Variant Classification Sherloc (09022015). Collection method: clinical testing. Allele origin: germline.
Comment: This sequence change replaces leucine, which is neutral and non-polar, with serine, which is neutral and polar, at codon 219 of the RAD51C protein (p.Leu219Ser). This variant is present in population databases (rs201529791, gnomAD 0.003%). This missense change has been observed in individual(s) with clinical features of RAD51C-related conditions (PMID: 22451500, 25086635, 35534704, 35980532, 36099300). ClinVar contains an entry for this variant (Variation ID: 232604). Invitae Evidence Modeling of protein sequence and biophysical properties (such as structural, functional, and spatial information, amino acid conservation, physicochemical variation, residue mobility, and thermodynamic stability) indicates that this missense variant is expected to disrupt RAD51C protein function with a positive predictive value of 80%. Experimental studies are conflicting or provide insufficient evidence to determine the effect of this variant on RAD51C function (PMID: 22451500, 25292178, 36099300, 37253112). In summary, the available evidence is currently insufficient to determine the role of this variant in disease. Therefore, it has been classified as a Variant of Uncertain Significance.

Ambry Genetics
Classification: Likely benign for Hereditary cancer-predisposing syndrome. Last evaluated: 2025-09-25. Review status: criteria provided, single submitter. Criteria: Ambry Variant Classification Scheme 2023. Collection method: clinical testing. Allele origin: germline.

Quest Diagnostics Nichols Institute San Juan Capistrano
Classification: Uncertain significance. Last evaluated: 2025-07-04. Review status: criteria provided, single submitter. Criteria: Quest Diagnostics criteria. Collection method: clinical testing. Allele origin: unknown.
Comment: The RAD51C c.656T>C (p.Leu219Ser) variant has been reported in individuals with ovarian cancer (PMID: 25086635 (2014)), breast and/or ovarian cancer (PMID: 35534704 (2022), 35264596 (2022), 33471991 (2021), 25086635 (2014), 23117857 (2012), 22451500 (2012), see also LOVD), and colorectal cancer (PMID: 34761457 (2022)). This variant has also been identified in a reportedly unaffected individual (PMID: 33471991 (2021), see also LOVD). Assessment of experimental evidence regarding the effect of this variant on protein function is inconclusive (PMID: 22451500 (2012), 25292178 (2015), 36099300 (2022), 37253112 (2023)). The frequency of this variant in the general population (Genome Aggregation Database) is uninformative in the assessment of its pathogenicity. Analysis of this variant using bioinformatics tools for the prediction of the effect of amino acid changes on protein structure and function yielded predictions that this variant is damaging. Based on the available information, we are unable to determine the clinical significance of this variant.

Women's Health and Genetics/Laboratory Corporation of America, LabCorp
Classification: Uncertain significance. Last evaluated: 2024-06-07. Review status: criteria provided, single submitter. Criteria: LabCorp Variant Classification Summary - May 2015. Collection method: clinical testing. Allele origin: germline.
Comment: Variant summary: RAD51C c.656T>C (p.Leu219Ser) results in a non-conservative amino acid change located in the DNA recombination and repair protein Rad51-like, C-terminal domain (IPR013632) of the encoded protein sequence. Five of five in-silico tools predict a damaging effect of the variant on protein function. The variant allele was found at a frequency of 8e-06 in 251286 control chromosomes (gnomAD). c.656T>C has been reported in the literature in individuals affected with breast, ovarian, or colorectal cancer without evidence of cosegregation with disease (e.g. Osorio_2012, Blanco_2014, Mikaeel_2022, de Oliveira_2022, Guindalini_2022). These reports do not provide unequivocal conclusions about association of the variant with Hereditary Breast And Ovarian Cancer Syndrome. Publications report experimental evidence evaluating an impact on protein function. One study found that the variant resulted in a significant reduction in RAD51 foci-positive cells (Osorio_2012), while another study found that the variant did not result in a deleterious effect on homology-directed repair activity (Hu_2023). The following publications have been ascertained in the context of this evaluation (PMID: 22451500, 25086635, 34761457, 35534704, 35264596, 37253112). ClinVar contains an entry for this variant (Variation ID: 232604). Based on the evidence outlined above, the variant was classified as VUS-possibly pathogenic.

Color Diagnostics, LLC DBA Color Health
Classification: Uncertain significance for Hereditary cancer-predisposing syndrome. Last evaluated: 2024-05-17. Review status: criteria provided, single submitter. Criteria: ACMG Guidelines, 2015. Collection method: clinical testing. Allele origin: germline.
Comment: This missense variant replaces leucine with serine at codon 219 of the RAD51C protein. Computational prediction is inconclusive regarding the impact of this variant on protein structure and function. Function studies have discrepant findings for variant impact on RAD51C function from little to no impact in homology-directed DNA repair and cisplatin and PARP inhibitor sensitivity assays, reduced activity in binding to RecA paralogs and formation of DNA damage induced RAD51 foci, and abnormal cell cycle progression (PMID: 22451500, 25292178, 36099300, 37253112). This variant has been reported in two individuals affected with breast and/or ovarian cancer (PMID: 22451500, 23117857) and an individual unaffected with cancer at age 70 or older (FLOSSIES database). This variant also has been detected in a breast cancer case-control meta-analysis in 2/60466 cases and 1/53461 unaffected individuals (PMID: 33471991; Leiden Open Variation Database DB-ID RAD51C_000163). This variant has been identified in 2/251286 chromosomes in the general population by the Genome Aggregation Database (gnomAD). The available evidence is insufficient to determine the role of this variant in disease conclusively. Therefore, this variant is classified as a Variant of Uncertain Significance.

Myriad Genetics, Inc.
Classification: Likely pathogenic for Breast-ovarian cancer, familial, susceptibility to, 3. Last evaluated: 2024-01-03. Review status: criteria provided, single submitter. Criteria: Myriad Autosomal Dominant, Autosomal Recessive and X-Linked Classification Criteria (2023). Collection method: clinical testing. Allele origin: unknown.
Comment: This variant is considered likely pathogenic. Functional studies indicate this variant impacts protein function [PMID: 25292178, 22451500].

Mendelics
Classification: Uncertain significance for Hereditary breast ovarian cancer syndrome. Last evaluated: 2023-12-31. Review status: criteria provided, single submitter. Criteria: Mendelics Assertion Criteria 2017. Collection method: clinical testing. Allele origin: unknown.

GeneDx
Classification: Uncertain significance. Last evaluated: 2023-06-14. Review status: criteria provided, single submitter. Criteria: GeneDx Variant Classification Process June 2021. Collection method: clinical testing. Allele origin: germline. Affected: yes.
Comment: Not observed at significant frequency in large population cohorts (gnomAD); In silico analysis supports that this missense variant has a deleterious effect on protein structure/function; Observed in individuals with a personal and/or family history of breast, ovarian, or colorectal cancer (Osorio et al., 2012; Blanco et al., 2014; Guindalini et al., 2022; Mikaeel et al., 2022; Anwaar et al., 2023); Published functional studies are inconclusive: variant unable to restore wild-type levels of RAD51 foci formation in RAD51C-deficient fibroblasts, but RAD51C protein levels were not evaluated in this study; increased sensitivity to Poly (ADP-ribose) polymerase 1 (PARP1) inhibitors compared to wild-type, failure to suppress G2/M accumulation, but ability to retain stability, and conflicting results on effect on homologous recombination activity (Osorio et al., 2012; Somyajit et al., 2015; Prakash et al., 2022; Hu et al., 2023); This variant is associated with the following publications: (PMID: 25470109, 23117857, 28829762, 22451500, 25086635, 25154786, 25292178, 34761457, 36099300, 37253112, 35264596, 36969410, 14704354)

St. Jude Molecular Pathology, St. Jude Children's Research Hospital
Classification: Uncertain significance for Breast-ovarian cancer, familial, susceptibility to, 3. Last evaluated: 2023-02-27. Review status: criteria provided, single submitter. Criteria: St. Jude Assertion Criteria 2020. Collection method: clinical testing. Allele origin: germline.
Comment: The RAD51C c.656T>C (p.Leu219Ser) missense change has a maximum subpopulation frequency of 0.0029% in gnomAD v2.1.1. The in silico tool REVEL is inconclusive about a pathogenic or benign effect of this variant on protein function, and functional studies suggest that this variant affects RAD51C function (PMID: 22451500, 25292178). This variant has been reported in individuals with a personal and/or family history of breast and ovarian cancer (PMID: 22451500, 25086635). This variant is absent in a database of women older than 70 years of age who have never had cancer (FLOSSIES database). To our knowledge, this variant has not been reported in individuals with Fanconi anemia. In summary, the evidence currently available is insufficient to determine the clinical significance of this variant. It has therefore been classified as of uncertain significance.

Department of Pathology and Laboratory Medicine, Sinai Health System
Classification: Uncertain significance for Breast-ovarian cancer, familial, susceptibility to, 3. Last evaluated: 2022-05-25. Review status: criteria provided, single submitter. Criteria: ACMG Guidelines, 2015. Collection method: clinical testing. Allele origin: germline. Affected: yes.

Literature cited by the submitters: PubMed 22451500 (cited by 7 submitters); PubMed 25086635 (cited by 5 submitters); PubMed 35534704 (cited by 3 submitters); PubMed 35980532 (cited by Labcorp Genetics (formerly Invitae), Labcorp and Quest Diagnostics Nichols Institute San Juan Capistrano); PubMed 36099300 (cited by 3 submitters); PubMed 25292178 (cited by 6 submitters); PubMed 37253112 (cited by 4 submitters); PubMed 25470109 (cited by Ambry Genetics and Quest Diagnostics Nichols Institute San Juan Capistrano); PubMed 35264596 (cited by Quest Diagnostics Nichols Institute San Juan Capistrano and Women's Health and Genetics/Laboratory Corporation of America, LabCorp); PubMed 34761457 (cited by Quest Diagnostics Nichols Institute San Juan Capistrano and Women's Health and Genetics/Laboratory Corporation of America, LabCorp); PubMed 33471991 (cited by Quest Diagnostics Nichols Institute San Juan Capistrano and Color Diagnostics, LLC DBA Color Health); PubMed 23117857 (cited by Quest Diagnostics Nichols Institute San Juan Capistrano and Color Diagnostics, LLC DBA Color Health); PubMed 28829762 (cited by Quest Diagnostics Nichols Institute San Juan Capistrano).